The following is an entry in ClinVar:

NM_007078.3(LDB3):c.411G>T (p.Glu137Asp)

Gene: LDB3 (LIM domain binding 3; plus strand). Cytogenetic location: 10q23.2.
Variant type: single nucleotide variant.
Coding change: c.411G>T on transcript NM_007078.3 (MANE Select); coding-DNA position 411, G replaced by T.
Protein change: p.Glu137Asp; replaces glutamic acid 137 with aspartic acid.
Molecular consequence: missense variant. On other transcripts: intron variant (5).
Genome position (GRCh38, 1-based): chr10:86,681,525, G>T. VCF-style: chr10-86681525-G-T. GRCh37 (hg19) VCF-style: chr10-88441282-G-T.
Other names: c.411G>T, p.Glu137Asp (NM_001080115.2, NM_001171610.2, NM_001171611.2 and 3 more transcripts); c.321+1368G>T (NM_001368068.1, NM_001368066.1, NM_001080114.2 and 2 more transcripts); short protein forms E137D.
Identifiers: ClinVar variation 3765972 (VCV003765972.1).
Genomic context (GRCh38, chr10:86,681,525, plus strand): 5'-GGTGGCACCCAGCCCCAGCCCTGAGGCGAGGGCCAGCCCAGGCACCCCAGGCACCCCGGA[G>T]CTCAGGCCCACCTTTAGCCCTGCCTTCTCCCGGCCCTCCGCCTTCTCCTCACTCGCCGAG-3'
Protein context (NP_009009.1, residues 127-147): RASPGTPGTP[Glu137Asp]LRPTFSPAFS

ClinVar aggregate classification (germline): Uncertain significance (1 of 4 stars; one submission).

Submission:

GeneDx
Classification: Uncertain significance. Last evaluated: 2024-09-01. Review status: criteria provided, single submitter. Criteria: GeneDx Variant Classification Process June 2021. Collection method: clinical testing. Allele origin: germline. Affected: yes.
Comment: Has not been previously published as pathogenic or benign to our knowledge; Not observed at significant frequency in large population cohorts (gnomAD); In silico analysis indicates that this missense variant does not alter protein structure/function; Reported using an alternate transcript of the gene